The following is an entry in ClinVar:

NM_001367624.2(ZNF469):c.4130G>A (p.Ser1377Asn)

Gene: ZNF469 (zinc finger protein 469; plus strand). Cytogenetic location: 16q24.2.
Variant type: single nucleotide variant.
Coding change: c.4130G>A on transcript NM_001367624.2 (MANE Select); coding-DNA position 4130, G replaced by A.
Protein change: p.Ser1377Asn; replaces serine 1377 with asparagine.
Molecular consequence: missense variant.
Genome position (GRCh38, 1-based): chr16:88,431,600, G>A. VCF-style: chr16-88431600-G-A. GRCh37 (hg19) VCF-style: chr16-88498008-G-A.
Other names: NM_001127464.1:c.4046G>A; short protein forms S1377N.
Identifiers: ClinVar variation 2173684 (VCV002173684.5), dbSNP rs1477667201, ClinGen allele CA397089538.
Genomic context (GRCh38, chr16:88,431,600, plus strand): 5'-CTGGTTTTAACAGAGACCCCTTGGGGGTTCCAGTTGCCAAAAAGGGGCCTCAGCCCTACA[G>A]CAGCCCCCACAGTGAGTTGTTCCTCGGACCCAAAGACCTGGCTGGCTGTTTCCTGGAAGA-3'
Protein context (NP_001354553.1, residues 1367-1387): PVAKKGPQPY[Ser1377Asn]SPHSELFLGP

ClinVar aggregate classification (germline): Uncertain significance. Review status: criteria provided, multiple submitters, no conflicts (2 of 4 stars). 2 submissions from 2 submitters: Uncertain significance (2). Last evaluated 2024-10-08.

Conditions:
Cardiovascular phenotype. Identifiers: MedGen CN230736.

Allele frequency attached by ClinVar (database versions not stated): TOPMed 0.00001.

Submissions (2):

Ambry Genetics
Classification: Uncertain significance for Cardiovascular phenotype. Last evaluated: 2024-10-08. Review status: criteria provided, single submitter. Criteria: Ambry Variant Classification Scheme 2023. Collection method: clinical testing. Allele origin: germline.
Comment: The p.S1349N variant (also known as c.4046G>A), located in coding exon 2 of the ZNF469 gene, results from a G to A substitution at nucleotide position 4046. The serine at codon 1349 is replaced by asparagine, an amino acid with highly similar properties. This amino acid position is conserved. In addition, this alteration is predicted to be tolerated by in silico analysis. Based on the available evidence, the clinical significance of this variant remains unclear.

Labcorp Genetics (formerly Invitae), Labcorp
Classification: Uncertain significance. Last evaluated: 2022-04-21. Review status: criteria provided, single submitter. Criteria: Invitae Variant Classification Sherloc (09022015). Collection method: clinical testing. Allele origin: germline.
Comment: This sequence change replaces serine, which is neutral and polar, with asparagine, which is neutral and polar, at codon 1349 of the ZNF469 protein (p.Ser1349Asn). This variant is not present in population databases (gnomAD no frequency). This variant has not been reported in the literature in individuals affected with ZNF469-related conditions. Algorithms developed to predict the effect of missense changes on protein structure and function output the following: SIFT: "Tolerated"; PolyPhen-2: "Benign"; Align-GVGD: "Class C0". The asparagine amino acid residue is found in multiple mammalian species, which suggests that this missense change does not adversely affect protein function. In summary, the available evidence is currently insufficient to determine the role of this variant in disease. Therefore, it has been classified as a Variant of Uncertain Significance.